The following is an entry in ClinVar:

ClinVar aggregate classification (germline): Uncertain significance (1 of 4 stars; one submission).

Conditions:
Inborn genetic diseases. Identifiers: MedGen C0950123, MeSH D030342.

gnomAD v4.1: 17 of 1,612,662 alleles (0.0011%); highest among the groups gnomAD compares: South Asian, 0.014%; no homozygotes.

Submission:

Ambry Genetics
Classification: Uncertain significance for Inborn genetic diseases. Last evaluated: 2026-03-23. Review status: criteria provided, single submitter. Criteria: Ambry Variant Classification Scheme 2023. Collection method: clinical testing. Allele origin: germline.
Comment: The c.1190C>G (p.A397G) alteration is located in exon 1 (coding exon 1) of the CCDC8 gene. This alteration results from a C to G substitution at nucleotide position 1190, causing the alanine (A) at amino acid position 397 to be replaced by a glycine (G). Based on data from gnomAD, the G allele has an overall frequency of <0.001% (1/251482) total alleles studied. The highest observed frequency was 0.003% (1/30616) of South Asian alleles. Based on insufficient or conflicting evidence, the clinical significance of this alteration remains unclear.

NM_032040.5(CCDC8):c.1190C>G (p.Ala397Gly)

Gene: CCDC8 (coiled-coil domain containing 8 subunit of 3M complex; minus strand). Cytogenetic location: 19q13.32.
Variant type: single nucleotide variant.
Coding change: c.1190C>G on transcript NM_032040.5 (MANE Select); coding-DNA position 1190, C replaced by G.
Protein change: p.Ala397Gly; replaces alanine 397 with glycine.
Molecular consequence: missense variant.
Genome position (GRCh38, 1-based): chr19:46,411,621, G>C on the plus strand (C>G on the coding strand, the complement: CCDC8 is on the minus strand). VCF-style: chr19-46411621-G-C. GRCh37 (hg19) VCF-style: chr19-46914878-G-C.
Other names: short protein forms A397G.
Identifiers: ClinVar variation 4868303 (VCV004868303.1).
Genomic context (GRCh38, chr19:46,411,621, plus strand): 5'-TCCCTCTGGTCATGTACGGCCTCTTCCCTTTGATTATCTGTAACCTCTGACCCCTGGTCA[G>C]CTGGGGCCTCCGCCCTCTGATTATCTGCAGCCTCTTCCCTGTGGTTATCTGTGCCCTGTG-3'
Protein context (NP_114429.2, residues 387-407): AADNQRAEAP[Ala397Gly]DQGSEVTDNQ